The following is an entry in ClinVar:

NM_032603.5(LOXL3):c.1800_1802del (p.Trp601del)

Gene: LOXL3 (lysyl oxidase like 3; minus strand). Cytogenetic location: 2p13.1.
Variant type: Deletion.
Coding change: c.1800_1802del on transcript NM_032603.5 (MANE Select); coding-DNA positions 1800 to 1802, 3 bases deleted (CTG; older notation c.1800_1802delCTG).
Protein change: p.Trp601del; deletes tryptophan 601.
Molecular consequence: inframe deletion.
Genome position (GRCh38, 1-based): chr2:74,534,552-74,534,554, CAG deleted on the plus strand (CTG on the coding strand, the reverse complement: LOXL3 is on the minus strand). VCF-style (leftmost placement, unchanged base first): chr2-74534551-CCAG-C. GRCh37 (hg19) VCF-style: chr2-74761678-CCAG-C.
Other names: c.1365_1367del, p.Trp456del (NM_001289164.3); c.717_719del, p.Trp240del (NM_001289165.2); short protein forms W601del, W240del, W456del.
Identifiers: ClinVar variation 1410917 (VCV001410917.8), dbSNP rs1675877384, ClinGen allele CA1261472673.
Genomic context (GRCh38, chr2:74,534,551, plus strand): 5'-CCGTGGTCTTGCCCTTCTACTTGACTCCCTACCCTCTCACCCATGGCACTCGTGCCACAC[CCAG>C]GAGTGGCGCCCAGCCTTGGGCCTGAAGTCAGCTCGTCCCAGGTTGTGGATCTGGGAGGAG-3'

ClinVar aggregate classification (germline): Uncertain significance (1 of 4 stars; one submission).

Allele frequency attached by ClinVar (database versions not stated): TOPMed 0.00001.

Submission:

Labcorp Genetics (formerly Invitae), Labcorp
Classification: Uncertain significance. Last evaluated: 2021-02-20. Review status: criteria provided, single submitter. Criteria: Invitae Variant Classification Sherloc (09022015). Collection method: clinical testing. Allele origin: germline.
Comment: This variant has not been reported in the literature in individuals with LOXL3-related conditions. This variant is not present in population databases (ExAC no frequency). This variant, c.1800_1802del, results in the deletion of 1 amino acid(s) of the LOXL3 protein (p.Trp601del), but otherwise preserves the integrity of the reading frame. Experimental studies and prediction algorithms are not available or were not evaluated, and the functional significance of this variant is currently unknown. In summary, the available evidence is currently insufficient to determine the role of this variant in disease. Therefore, it has been classified as a Variant of Uncertain Significance.